The following is an entry in ClinVar:

NM_030665.4(RAI1):c.660C>T (p.Ser220=)

Gene: RAI1 (retinoic acid induced 1; plus strand). Cytogenetic location: 17p11.2.
Variant type: single nucleotide variant.
Coding change: c.660C>T on transcript NM_030665.4 (MANE Select); coding-DNA position 660, C replaced by T.
Protein change: p.Ser220=; no amino-acid change (serine 220 retained).
Molecular consequence: synonymous variant.
Genome position (GRCh38, 1-based): chr17:17,793,608, C>T. VCF-style: chr17-17793608-C-T. GRCh37 (hg19) VCF-style: chr17-17696922-C-T.
Other names: c.660C>T (NM_030665.3).
Identifiers: ClinVar variation 196547 (VCV000196547.14), dbSNP rs756623054, ClinGen allele CA243536.

ClinVar aggregate classification (germline): Conflicting classifications of pathogenicity. Review status: criteria provided, conflicting classifications (1 of 4 stars). 3 submissions from 3 submitters: Uncertain significance (1); Likely benign (1). 1 of the submissions does not count toward it. Last evaluated 2024-12-09.

Conditions:
RAI1-related disorder. Also called: RAI1-related condition.

Allele frequency attached by ClinVar (database versions not stated): ExAC 0.00001; gnomAD 0.00002 and 0.00003; gnomAD exomes 0.00001; TOPMed 0.00009.
gnomAD v4.1: 24 of 1,613,482 alleles (0.0015%); highest among the groups gnomAD compares: Admixed American, 0.0033%; no homozygotes.

Submissions (3):

Labcorp Genetics (formerly Invitae), Labcorp
Classification: Likely benign. Last evaluated: 2024-12-09. Review status: criteria provided, single submitter. Criteria: Invitae Variant Classification Sherloc (09022015). Collection method: clinical testing. Allele origin: germline.

Eurofins Ntd Llc (ga)
Classification: Uncertain significance. Last evaluated: 2014-06-05. Review status: criteria provided, single submitter. Criteria: EGL Classification Definitions 2015. Collection method: clinical testing. Allele origin: germline.

PreventionGenetics, part of Exact Sciences
Classification: Likely benign for RAI1-related condition. Last evaluated: 2022-08-18. Review status: no assertion criteria provided. Collection method: clinical testing. Allele origin: germline. Not counted in ClinVar's aggregate classification.
Comment: This variant is classified as likely benign based on ACMG/AMP sequence variant interpretation guidelines (Richards et al. 2015 PMID: 25741868, with internal and published modifications).